The following is an entry in ClinVar:

ClinVar aggregate classification (germline): Uncertain significance (1 of 4 stars; one submission).

Conditions:
ATP2B2-related disorder. Also called: ATP2B2-related condition.

gnomAD v4.1: 29 of 1,614,076 alleles (0.0018%); highest among the groups gnomAD compares: Non-Finnish European, 0.0015%; no homozygotes.

Submission:

PreventionGenetics, part of Exact Sciences
Classification: Uncertain significance for ATP2B2-related condition. Last evaluated: 2025-07-10. Review status: criteria provided, single submitter. Criteria: ACMG Guidelines, 2015. Collection method: clinical testing. Allele origin: germline.
Comment: The ATP2B2 c.3239G>A variant is predicted to result in the amino acid substitution p.Arg1080Gln. To our knowledge, this variant has not been reported in the literature. This variant is reported in 0.018% of alleles in individuals of European (Finnish) descent in gnomAD. At this time, the clinical significance of this variant is uncertain due to the absence of conclusive functional and genetic evidence.

NM_001001331.4(ATP2B2):c.3374G>A (p.Arg1125Gln)

Gene: ATP2B2 (ATPase plasma membrane Ca2+ transporting 2; minus strand). Cytogenetic location: 3p25.3.
Variant type: single nucleotide variant.
Coding change: c.3374G>A on transcript NM_001001331.4 (MANE Select); coding-DNA position 3374, G replaced by A.
Protein change: p.Arg1125Gln; replaces arginine 1125 with glutamine.
Molecular consequence: missense variant.
Genome position (GRCh38, 1-based): chr3:10,338,222, C>T on the plus strand (G>A on the coding strand, the complement: ATP2B2 is on the minus strand). VCF-style: chr3-10338222-C-T. GRCh37 (hg19) VCF-style: chr3-10379906-C-T.
Other names: c.3239G>A, p.Arg1080Gln (NM_001330611.3, NM_001353564.1, NM_001363862.1 and 2 more transcripts); c.3281G>A, p.Arg1094Gln (NM_001438646.1); short protein forms R1125Q, R1094Q, R1080Q.
Identifiers: ClinVar variation 4977623 (VCV004977623.1).